The following is an entry in ClinVar:

NM_152641.4(ARID2):c.22G>T (p.Ala8Ser)

Gene: ARID2 (AT-rich interaction domain 2; plus strand). Cytogenetic location: 12q12.
Variant type: single nucleotide variant.
Coding change: c.22G>T on transcript NM_152641.4 (MANE Select); coding-DNA position 22, G replaced by T.
Protein change: p.Ala8Ser; replaces alanine 8 with serine.
Molecular consequence: missense variant.
Genome position (GRCh38, 1-based): chr12:45,729,858, G>T. VCF-style: chr12-45729858-G-T. GRCh37 (hg19) VCF-style: chr12-46123641-G-T.
Other names: c.22G>T, p.Ala8Ser (NM_001347839.2); short protein forms A8S.
Identifiers: ClinVar variation 2631787 (VCV002631787.1), dbSNP rs1374980785, ClinGen allele CA384608934.
Genomic context (GRCh38, chr12:45,729,858, plus strand): 5'-ACCGATCTGGGTTTTTTAAAAACCTCCTTTGAAAAAATAATGGCAAACTCGACGGGGAAG[G>T]CGCCTCCGGACGAGCGGAGAAAGGGACTCGCTTTCCTGGACGAGCTGCGGCAGTTCCACC-3'
Protein context (NP_689854.2, residues 1-18): MANSTGK[Ala8Ser]PPDERRKGLA

ClinVar aggregate classification (germline): Uncertain significance (1 of 4 stars; one submission).

Conditions:
ARID2-related disorder. Also called: ARID2-related condition.

gnomAD v4.1: 2 of 1,611,348 alleles (0.00012%); highest among the groups gnomAD compares: Non-Finnish European, 0.00017%; no homozygotes.

Submission:

PreventionGenetics, part of Exact Sciences
Classification: Uncertain significance for ARID2-related condition. Last evaluated: 2023-07-13. Review status: criteria provided, single submitter. Criteria: ACMG Guidelines, 2015. Collection method: clinical testing. Allele origin: germline.
Comment: The ARID2 c.22G>T variant is predicted to result in the amino acid substitution p.Ala8Ser. To our knowledge, this variant has not been reported in the literature or in a large population database, indicating this variant is rare. At this time, the clinical significance of this variant is uncertain due to the absence of conclusive functional and genetic evidence.